The following is an entry in ClinVar:

ClinVar aggregate classification (germline): Pathogenic (3 of 4 stars; one submission).

Conditions:
Breast-ovarian cancer, familial, susceptibility to, 2 (BROVCA2). Also called: BRCA2 Hereditary Breast and Ovarian Cancer. Identifiers: Orphanet 145, MedGen C2675520, MONDO:0012933, OMIM 612555. Disease mechanism: loss of function.

Submission:

Evidence-based Network for the Interpretation of Germline Mutant Alleles (ENIGMA)
Classification: Pathogenic for Breast-ovarian cancer, familial, susceptibility to, 2. Last evaluated: 2016-09-08. Review status: reviewed by expert panel. Criteria: ENIGMA BRCA1/2 Classification Criteria (2015). Collection method: curation. Allele origin: germline.
Comment: Variant allele predicted to encode a truncated non-functional protein.

NM_000059.4(BRCA2):c.7921G>T (p.Glu2641Ter)

Gene: BRCA2 (BRCA2 DNA repair associated; plus strand). Cytogenetic location: 13q13.1.
Variant type: single nucleotide variant.
Coding change: c.7921G>T on transcript NM_000059.4 (MANE Select); coding-DNA position 7921, G replaced by T.
Protein change: p.Glu2641Ter; replaces glutamic acid 2641 with a stop codon.
Molecular consequence: nonsense.
Genome position (GRCh38, 1-based): chr13:32,362,638, G>T. VCF-style: chr13-32362638-G-T. GRCh37 (hg19) VCF-style: chr13-32936775-G-T.
Other names: short protein forms E2641*.
Identifiers: ClinVar variation 254614 (VCV000254614.2), dbSNP rs886038177, ClinGen allele CA10586582.
Genomic context (GRCh38, chr13:32,362,638, plus strand): 5'-TATAATCACTATAGATGGATCATATGGAAACTGGCAGCTATGGAATGTGCCTTTCCTAAG[G>T]AATTTGCTAATAGATGCCTAAGCCCAGAAAGGGTGCTTCTTCAACTAAAATACAGGCAAG-3'